The following is an entry in ClinVar:

ClinVar aggregate classification (germline): Uncertain significance. Review status: criteria provided, multiple submitters, no conflicts (2 of 4 stars). 4 submissions from 4 submitters: Uncertain significance (3). 1 of the submissions does not count toward it. Last evaluated 2025-12-15.

Conditions:
Hereditary cancer-predisposing syndrome. Also called: Neoplastic Syndromes, Hereditary; Hereditary neoplastic syndrome; Tumor predisposition; Hereditary Cancer Syndrome. Identifiers: Orphanet 140162, MedGen C0027672, MeSH D009386, MONDO:0015356.

Allele frequency attached by ClinVar (database versions not stated): gnomAD exomes below 0.00001 and 0.00001.
gnomAD v4.1: 3 of 1,590,360 alleles (0.00019%); highest among the groups gnomAD compares: Non-Finnish European, 0.00026%; no homozygotes.

Submissions (4):

Ambry Genetics
Classification: Uncertain significance for Hereditary cancer-predisposing syndrome. Last evaluated: 2025-12-15. Review status: criteria provided, single submitter. Criteria: Ambry Variant Classification Scheme 2023. Collection method: clinical testing. Allele origin: germline.
Comment: The p.H47R variant (also known as c.140A>G), located in coding exon 3 of the XRCC2 gene, results from an A to G substitution at nucleotide position 140. The histidine at codon 47 is replaced by arginine, an amino acid with highly similar properties. In one study, this alteration was reported in 1/3548 non-BRCA1/2 familial breast cancer cases and 0/1435 healthy controls (Hilbers F et al. J Med Genet 2012 Oct;49(10):618-20). A complementation assay demonstrated that p.H47R retains function similar to wild-type (Hilbers F et al. Hum Mutat 2016 09;37(9):914-25). This amino acid position is well conserved in available vertebrate species. In addition, the in silico prediction for this alteration is inconclusive. Since supporting evidence is limited at this time, the clinical significance of this alteration remains unclear.

Labcorp Genetics (formerly Invitae), Labcorp
Classification: Uncertain significance. Last evaluated: 2023-02-05. Review status: criteria provided, single submitter. Criteria: Invitae Variant Classification Sherloc (09022015). Collection method: clinical testing. Allele origin: germline.
Comment: This sequence change replaces histidine, which is basic and polar, with arginine, which is basic and polar, at codon 47 of the XRCC2 protein (p.His47Arg). In summary, the available evidence is currently insufficient to determine the role of this variant in disease. Therefore, it has been classified as a Variant of Uncertain Significance. Experimental studies are conflicting or provide insufficient evidence to determine the effect of this variant on XRCC2 function (PMID: 27233470). Advanced modeling of protein sequence and biophysical properties (such as structural, functional, and spatial information, amino acid conservation, physicochemical variation, residue mobility, and thermodynamic stability) performed at Invitae indicates that this missense variant is expected to disrupt XRCC2 protein function. ClinVar contains an entry for this variant (Variation ID: 127952). This missense change has been observed in individual(s) with breast cancer (PMID: 23054243). This variant is not present in population databases (gnomAD no frequency).

GeneDx
Classification: Uncertain significance. Last evaluated: 2017-05-15. Review status: criteria provided, single submitter. Criteria: GeneDx Variant Classification (06012015). Collection method: clinical testing. Allele origin: germline. Affected: yes.
Comment: This variant is denoted XRCC2 c.140A>G at the cDNA level, p.His47Arg (H47R) at the protein level, and results in the change of a Histidine to an Arginine (CAT>CGT) in exon 3. This variant was observed in one individual with breast cancer out of 3548 breast cancer cases in this study (Hilbers 2012). XRCC2 His47Arg was not observed in approximately 6,500 individuals of European and African American ancestry in the NHLBI Exome Variant Server, indicating it is not a common benign variant in these populations. This variant is a conservative substitution of one positive polar amino acid for another, altering a position that is well conserved throughout evolution and is located in within a beta sheet in the C-terminal domain adjacent to the Walker A ATP binding motif (Miller 2004). In silico analyses are inconsistent with regard to the effect this variant may have on protein structure and function. Based on the currently available information, we consider XRCC2 His47Arg to be a variant of unknown significance. Furthermore, XRCC2 has been only recently described in association with cancer predisposition and the risks are not well understood. The variant is found in HEREDICANCER panel(s).

Leiden Open Variation Database
Classification: Uncertain significance. Last evaluated: 2013-03-01. Review status: no assertion criteria provided. Collection method: curation. Allele origin: germline. Affected: yes. Not counted in ClinVar's aggregate classification.
Comment: Curator: Arleen D. Auerbach. Submitter to LOVD: Florentine Hilbers.

Literature cited by the submitters: PubMed 27233470 (cited by Labcorp Genetics (formerly Invitae), Labcorp); PubMed 23054243 (cited by Labcorp Genetics (formerly Invitae), Labcorp and Leiden Open Variation Database).

NM_005431.2(XRCC2):c.140A>G (p.His47Arg)

Gene: XRCC2 (X-ray repair cross complementing 2; minus strand). Cytogenetic location: 7q36.1.
Variant type: single nucleotide variant.
Coding change: c.140A>G on transcript NM_005431.2 (MANE Select); coding-DNA position 140, A replaced by G.
Protein change: p.His47Arg; replaces histidine 47 with arginine.
Molecular consequence: missense variant.
Genome position (GRCh38, 1-based): chr7:152,649,345, T>C on the plus strand (A>G on the coding strand, the complement: XRCC2 is on the minus strand). VCF-style: chr7-152649345-T-C. GRCh37 (hg19) VCF-style: chr7-152346430-T-C.
Other names: p.H47R:CAT>CGT; short protein forms H47R.
Identifiers: ClinVar variation 127952 (VCV000127952.9), dbSNP rs587780126, ClinGen allele CA288126.